The following is an entry in ClinVar:

ClinVar aggregate classification (germline): Uncertain significance (1 of 4 stars; one submission).

Allele frequency attached by ClinVar (database versions not stated): ESP Exome Variant Server 0.00024; TOPMed 0.00028.
gnomAD v4.1: 802 of 1,613,894 alleles (0.05%); highest among the groups gnomAD compares: Non-Finnish European, 0.066%; 1 homozygote.

Submission:

Labcorp Genetics (formerly Invitae), Labcorp
Classification: Uncertain significance. Last evaluated: 2023-11-10. Review status: criteria provided, single submitter. Criteria: Invitae Variant Classification Sherloc (09022015). Collection method: clinical testing. Allele origin: germline.
Comment: This sequence change replaces valine, which is neutral and non-polar, with leucine, which is neutral and non-polar, at codon 314 of the FMN1 protein (p.Val314Leu). This variant is present in population databases (rs200901863, gnomAD 0.05%), and has an allele count higher than expected for a pathogenic variant. This variant has not been reported in the literature in individuals affected with FMN1-related conditions. ClinVar contains an entry for this variant (Variation ID: 2059752). Experimental studies and prediction algorithms are not available or were not evaluated, and the functional significance of this variant is currently unknown. In summary, the available evidence is currently insufficient to determine the role of this variant in disease. Therefore, it has been classified as a Variant of Uncertain Significance.

NM_001277313.2(FMN1):c.2044-1871G>T

Gene: FMN1 (formin 1; minus strand). Cytogenetic location: 15q13.3.
Variant type: single nucleotide variant.
Coding change: c.2044-1871G>T on transcript NM_001277313.2 (MANE Select); 1871 bases into the intron before coding-DNA position 2044, G replaced by T.
Molecular consequence: intron variant. On other transcripts: missense variant (1).
Genome position (GRCh38, 1-based): chr15:33,066,945, C>A on the plus strand (G>T on the coding strand, the complement: FMN1 is on the minus strand). VCF-style: chr15-33066945-C-A. GRCh37 (hg19) VCF-style: chr15-33359146-C-A.
Other names: c.940G>T, p.Val314Leu (NM_001103184.4); short protein forms V314L.
Identifiers: ClinVar variation 2059752 (VCV002059752.4), dbSNP rs200901863, ClinGen allele CA7457228.